The following is an entry in ClinVar:

ClinVar aggregate classification (germline): Conflicting classifications of pathogenicity. Review status: criteria provided, conflicting classifications (1 of 4 stars). 3 submissions from 3 submitters: Uncertain significance (2); Likely benign (1). Last evaluated 2025-06-18.

Conditions:
Hereditary nonpolyposis colorectal neoplasms. Identifiers: MedGen C0009405, MeSH D003123.
Hereditary cancer-predisposing syndrome. Also called: Tumor predisposition; Hereditary neoplastic syndrome; Neoplastic Syndromes, Hereditary; Hereditary Cancer Syndrome. Identifiers: Orphanet 140162, MedGen C0027672, MeSH D009386, MONDO:0015356.
Lynch syndrome 4 (LYNCH4). Also called: Hereditary non-polyposis colorectal cancer, type 4; Colorectal cancer, hereditary nonpolyposis, type 4. Identifiers: Orphanet 144, MedGen C1838333, MONDO:0013699, OMIM 614337. Disease mechanism: loss of function.

Submissions (3):

Ambry Genetics
Classification: Likely benign for Hereditary cancer-predisposing syndrome. Last evaluated: 2025-06-18. Review status: criteria provided, single submitter. Criteria: Ambry Variant Classification Scheme 2023. Collection method: clinical testing. Allele origin: germline.

Baylor Genetics
Classification: Uncertain significance for Lynch syndrome 4. Last evaluated: 2024-01-25. Review status: criteria provided, single submitter. Criteria: ACMG Guidelines, 2015. Collection method: clinical testing. Allele origin: unknown.

Labcorp Genetics (formerly Invitae), Labcorp
Classification: Uncertain significance for Hereditary nonpolyposis colorectal neoplasms. Last evaluated: 2023-08-07. Review status: criteria provided, single submitter. Criteria: Invitae Variant Classification Sherloc (09022015). Collection method: clinical testing. Allele origin: germline.
Comment: In summary, the available evidence is currently insufficient to determine the role of this variant in disease. Therefore, it has been classified as a Variant of Uncertain Significance. This sequence change replaces glycine, which is neutral and non-polar, with valine, which is neutral and non-polar, at codon 466 of the PMS2 protein (p.Gly466Val). This variant is not present in population databases (gnomAD no frequency). This variant has not been reported in the literature in individuals affected with PMS2-related conditions. ClinVar contains an entry for this variant (Variation ID: 819101). Advanced modeling of protein sequence and biophysical properties (such as structural, functional, and spatial information, amino acid conservation, physicochemical variation, residue mobility, and thermodynamic stability) performed at Invitae indicates that this missense variant is not expected to disrupt PMS2 protein function.

NM_000535.7(PMS2):c.1397G>T (p.Gly466Val)

Gene: PMS2 (PMS1 homolog 2, mismatch repair system component; minus strand). Cytogenetic location: 7p22.1.
Variant type: single nucleotide variant.
Coding change: c.1397G>T on transcript NM_000535.7 (MANE Select); coding-DNA position 1397, G replaced by T.
Protein change: p.Gly466Val; replaces glycine 466 with valine.
Molecular consequence: missense variant. On other transcripts: non-coding transcript variant (1).
Genome position (GRCh38, 1-based): chr7:5,987,368, C>A on the plus strand (G>T on the coding strand, the complement: PMS2 is on the minus strand). VCF-style: chr7-5987368-C-A. GRCh37 (hg19) VCF-style: chr7-6026999-C-A.
Other names: c.992G>T, p.Gly331Val (NM_001322003.2, NM_001322004.2, NM_001322005.2 and 1 more transcripts); c.1241G>T, p.Gly414Val (NM_001322006.2); c.1079G>T, p.Gly360Val (NM_001322007.2, NM_001322008.2); c.836G>T, p.Gly279Val (NM_001322010.2); c.464G>T, p.Gly155Val (NM_001322011.2, NM_001322012.2); c.824G>T, p.Gly275Val (NM_001322013.2); c.1397G>T, p.Gly466Val (NM_001322014.2); c.1088G>T, p.Gly363Val (NM_001322015.2); short protein forms G155V, G279V, G331V, G360V, G363V, G414V, G466V, G275V.
Identifiers: ClinVar variation 819101 (VCV000819101.15), dbSNP rs1339878885, ClinGen allele CA366742124.